The following is an entry in ClinVar:

ClinVar aggregate classification (germline): Uncertain significance (1 of 4 stars; one submission).

Submission:

GeneDx
Classification: Uncertain significance. Last evaluated: 2026-04-09. Review status: criteria provided, single submitter. Criteria: GeneDx Variant Classification Process June 2021. Collection method: clinical testing. Allele origin: germline.
Comment: Not observed at significant frequency in large population cohorts (gnomAD); Has not been previously published as pathogenic or benign to our knowledge; Nonsense variant predicted to result in protein truncation or nonsense mediated decay in a gene or region of a gene for which loss of function is not a known mechanism of disease

NM_006514.4(SCN10A):c.552C>G (p.Tyr184Ter)

Gene: SCN10A (sodium voltage-gated channel alpha subunit 10; minus strand). Cytogenetic location: 3p22.2.
Variant type: single nucleotide variant.
Coding change: c.552C>G on transcript NM_006514.4 (MANE Select); coding-DNA position 552, C replaced by G.
Protein change: p.Tyr184Ter; replaces tyrosine 184 with a stop codon.
Molecular consequence: nonsense.
Genome position (GRCh38, 1-based): chr3:38,771,326, G>C on the plus strand (C>G on the coding strand, the complement: SCN10A is on the minus strand). VCF-style: chr3-38771326-G-C. GRCh37 (hg19) VCF-style: chr3-38812817-G-C.
Other names: c.552C>G, p.Tyr184Ter (NM_001293306.2, NM_001293307.2); short protein forms Y184*.
Identifiers: ClinVar variation 5037007 (VCV005037007.1).